The following continues an entry in ClinVar:

NM_175914.5(HNF4A):c.869G>A (p.Arg290His)

Gene: HNF4A. ClinVar aggregate classification (germline): Pathogenic. Pathogenic (1).

Submissions 9 to 10 of 10:

Genetic Services Laboratory, University of Chicago
Classification: Likely pathogenic. Last evaluated: 2020-08-18. Review status: criteria provided, single submitter. Criteria: ACMG Guidelines, 2015. Collection method: clinical testing. Allele origin: germline. Affected: yes. Not counted in ClinVar's aggregate classification.
Comment: DNA sequence analysis of the HNF4A gene demonstrated a sequence change, c.869G>A, in exon 8 that results in an amino acid change, p.Arg290His. This sequence change has been identified in a patient with gestational diabetes mellitus (GDM) (PMID: 30663027). This sequence change has been described in the gnomAD database in one individual which corresponds to a population frequency of 0.00040% (dbSNP rs1191912908). The p.Arg290His change affects a highly conserved amino acid residue located in a dimerization domain of the HNF4A protein that is known to be functional. The p.Arg290His substitution appears to be deleterious using several in-silico pathogenicity prediction tools (SIFT, PolyPhen2, Align GVGD, REVEL). These collective evidences indicate that this sequence change is likely pathogenic; however functional studies have not been performed to prove this conclusively.

Broad Center for Mendelian Genomics, Broad Institute of MIT and Harvard
Classification: Likely pathogenic for Maturity-onset diabetes of the young type 1. Last evaluated: 2020-01-22. Review status: criteria provided, single submitter. Criteria: ACMG Guidelines, 2015. Collection method: curation. Allele origin: germline. Inheritance: Autosomal dominant inheritance. Not counted in ClinVar's aggregate classification.
Comment: The p.Arg312His variant in HNF4A has been reported in at least 12 individuals with MODY, segregated with disease in 4 affected relatives from 2 families (PMID: 26971647, 17407387, 23348805, 18811724, 16917892), and was absent from large population studies. In vitro functional studies provide some evidence that the XXXX variant may slightly impact protein function (PMID: 19478207). However, these types of assays may not accurately represent biological function. Computational prediction tools and conservation analyses suggest that this variant may impact the protein, though this information is not predictive enough to determine pathogenicity. The p.Arg312His variant is located in a region of HNF4A that is essential to protein folding and stability, suggesting that this variant is in a functional domain and supports pathogenicity (PMID: 21683639, 18811724). One additional likely pathogenic variant, resulting in a different amino acid change at the same position, (p.Arg312Cys), has been reported in association with disease in (the literature and ClinVar), slightly supporting that a change at this position may not be tolerated (PMID: 21683639, 18811724, 23348805/Variation ID: 447524). In summary, although additional studies are required to fully establish its clinical significance, this variant is likely pathogenic. ACMG/AMP Criteria applied: PM2, PS4_moderate, PM1, PP3, PM5_supporting, PS3_supporting, PP1 (Richards 2015).

Literature cited by the submitters: PubMed 17407387 (cited by 4 submitters); PubMed 26971647 (cited by Labcorp Genetics (formerly Invitae), Labcorp and Broad Center for Mendelian Genomics, Broad Institute of MIT and Harvard); PubMed 30447144 (cited by Labcorp Genetics (formerly Invitae), Labcorp); PubMed 36257325 (cited by Athena Diagnostics and Geisinger Clinic, Geisinger Health System); PubMed 34440499 (cited by Athena Diagnostics and Women's Health and Genetics/Laboratory Corporation of America, LabCorp); PubMed 18811724 (cited by 3 submitters); PubMed 27552834 (cited by Athena Diagnostics); PubMed 30663027 (cited by Athena Diagnostics and Women's Health and Genetics/Laboratory Corporation of America, LabCorp); PubMed 25555642 (cited by Athena Diagnostics); PubMed 16917892 (cited by Women's Health and Genetics/Laboratory Corporation of America, LabCorp and Broad Center for Mendelian Genomics, Broad Institute of MIT and Harvard); PubMed 23348805 (cited by Women's Health and Genetics/Laboratory Corporation of America, LabCorp and Broad Center for Mendelian Genomics, Broad Institute of MIT and Harvard); PubMed 19478207 (cited by Broad Center for Mendelian Genomics, Broad Institute of MIT and Harvard); PubMed 21683639 (cited by Broad Center for Mendelian Genomics, Broad Institute of MIT and Harvard).